The following is an entry in ClinVar:

NM_053013.4(ENO3):c.170A>G (p.Tyr57Cys)

Gene: ENO3 (enolase 3; plus strand). Cytogenetic location: 17p13.2.
Variant type: single nucleotide variant.
Coding change: c.170A>G on transcript NM_053013.4 (MANE Select); coding-DNA position 170, A replaced by G.
Protein change: p.Tyr57Cys; replaces tyrosine 57 with cysteine.
Molecular consequence: missense variant.
Genome position (GRCh38, 1-based): chr17:4,952,879, A>G. VCF-style: chr17-4952879-A-G. GRCh37 (hg19) VCF-style: chr17-4856174-A-G.
Other names: c.170A>G, p.Tyr57Cys (NM_001193503.2, NM_001374523.1, NM_001976.5); c.197A>G, p.Tyr66Cys (NM_001374524.1); short protein forms Y66C, Y57C.
Identifiers: ClinVar variation 3508551 (VCV003508551.3).

ClinVar aggregate classification (germline): Uncertain significance. Review status: criteria provided, multiple submitters, no conflicts (2 of 4 stars). 2 submissions from 2 submitters: Uncertain significance (2). Last evaluated 2024-08-27.

Conditions:
Glycogen storage disease due to muscle beta-enolase deficiency (GSD13). Also called: ENOLASE 3 DEFICIENCY; ENOLASE-BETA DEFICIENCY; GSD XIII; Glycogen Storage Disease Type XIII. Identifiers: Orphanet 99849, MedGen C2752027, MONDO:0013046, OMIM 612932.
Inborn genetic diseases. Identifiers: MedGen C0950123, MeSH D030342.

Submissions (2):

Ambry Genetics
Classification: Uncertain significance for Inborn genetic diseases. Last evaluated: 2024-08-27. Review status: criteria provided, single submitter. Criteria: Ambry Variant Classification Scheme 2023. Collection method: clinical testing. Allele origin: germline.

Labcorp Genetics (formerly Invitae), Labcorp
Classification: Uncertain significance for Glycogen storage disease due to muscle beta-enolase deficiency. Last evaluated: 2024-05-19. Review status: criteria provided, single submitter. Criteria: Invitae Variant Classification Sherloc (09022015). Collection method: clinical testing. Allele origin: germline.
Comment: This sequence change replaces tyrosine, which is neutral and polar, with cysteine, which is neutral and slightly polar, at codon 57 of the ENO3 protein (p.Tyr57Cys). This variant is not present in population databases (gnomAD no frequency). This variant has not been reported in the literature in individuals affected with ENO3-related conditions. Advanced modeling of protein sequence and biophysical properties (such as structural, functional, and spatial information, amino acid conservation, physicochemical variation, residue mobility, and thermodynamic stability) has been performed at Invitae for this missense variant, however the output from this modeling did not meet the statistical confidence thresholds required to predict the impact of this variant on ENO3 protein function. In summary, the available evidence is currently insufficient to determine the role of this variant in disease. Therefore, it has been classified as a Variant of Uncertain Significance.